The following is an entry in ClinVar:

NM_000466.3(PEX1):c.3208-1G>A

Genes: GATAD1 (GATA zinc finger domain containing 1; plus strand), PEX1 (peroxisomal biogenesis factor 1; minus strand). Cytogenetic location: 7q21.2.
Variant type: single nucleotide variant.
Coding change: c.3208-1G>A on transcript NM_000466.3 (MANE Select); the canonical splice acceptor site of the intron before coding-DNA position 3208, G replaced by A.
Molecular consequence: splice acceptor variant.
Genome position (GRCh38, 1-based): chr7:92,491,503, C>T on the plus strand (G>A on the coding strand, the complement: PEX1 is on the minus strand). VCF-style: chr7-92491503-C-T. GRCh37 (hg19) VCF-style: chr7-92120817-C-T.
Other names: c.3037-1G>A (NM_001282677.2); c.2584-1G>A (NM_001282678.2).
Identifiers: ClinVar variation 371765 (VCV000371765.27), dbSNP rs1057517518, ClinGen allele CA16041146.
Genomic context (GRCh38, chr7:92,491,503, plus strand): 5'-ATGGTTAAGAAAGACCATTGAAGACAGACTTAGGTCACTATCAGAGCTGGAACTTCCATC[C>T]TAAAATACACAAAAGGACAACCAGTTTAAAGATGTAAACAATTTTAGTCTCAGAAATAAA-3'

ClinVar aggregate classification (germline): Pathogenic/Likely pathogenic. Review status: criteria provided, multiple submitters, no conflicts (2 of 4 stars). 9 submissions from 8 submitters: Pathogenic (3); Likely pathogenic (3). 3 of the submissions do not count toward it. Last evaluated 2026-07-23.

Conditions:
Peroxisome biogenesis disorder 1B (PBD1B). Also called: PEROXISOME BIOGENESIS DISORDER (NEONATAL ADRENOLEUKODYSTROPHY/INFANTILE REFSUM DISEASE); INFANTILE PHYTANIC ACID STORAGE DISEASE; Refsum disease, infantile form; Infantile Refsum disease; Infantile form of phytanic acid storage disease; PEROXISOME BIOGENESIS DISORDER (NALD/IRD). Identifiers: Orphanet 44, MedGen C0282527, MONDO:0011101, OMIM 601539.
Zellweger spectrum disorders (ZS). Also called: Zellweger Spectrum Disorder (ZSD); Zellweger syndrome; Zellweger Spectrum Disorder; Zellweger Spectrum. Identifiers: Orphanet 912, MedGen C0043459, MONDO:0019609.
Peroxisome biogenesis disorder 1A (Zellweger) (PBD1A). Also called: Peroxisome biogenesis disorder 1a; Zellweger leukodystrophy. Identifiers: MedGen C4721541, MONDO:0008953, OMIM 214100.
Heimler syndrome 1 (HMLR1). Also called: PEROXISOME BIOGENESIS DISORDER 1C. Identifiers: Orphanet 3220, MedGen C4551980, OMIM 234580, MONDO:0024544.
PEX1-related disorder. Also called: PEX1-related condition.

Allele frequency attached by ClinVar (database versions not stated): gnomAD exomes below 0.00001 and 0.00001; gnomAD 0.00001; TOPMed 0.00002.
gnomAD v4.1: 9 of 1,568,858 alleles (0.00057%); highest among the groups gnomAD compares: African/African-American, 0.0014%; no homozygotes.

Submissions (9):

PreventionGenetics, part of Exact Sciences
Classification: Likely pathogenic for PEX1-related condition. Last evaluated: 2026-07-23. Review status: criteria provided, single submitter. Criteria: ACMG Guidelines, 2015. Collection method: clinical testing. Allele origin: germline.
Comment: The PEX1 c.3208-1G>A variant is predicted to disrupt the AG splice acceptor site and interfere with normal splicing. To our knowledge, this variant has not been reported in the literature. This variant is reported in 0.00088% of alleles in individuals of European (Non-Finnish) descent in gnomAD. Variants that disrupt the consensus splice acceptor site in PEX1 are expected to be pathogenic. This variant is interpreted as likely pathogenic.

Labcorp Genetics (formerly Invitae), Labcorp
Classification: Likely pathogenic for Zellweger spectrum disorders. Last evaluated: 2024-12-11. Review status: criteria provided, single submitter. Criteria: Invitae Variant Classification Sherloc (09022015). Collection method: clinical testing. Allele origin: germline.
Comment: This sequence change affects an acceptor splice site in intron 20 of the PEX1 gene. It is expected to disrupt RNA splicing. Variants that disrupt the donor or acceptor splice site typically lead to a loss of protein function (PMID: 16199547), and loss-of-function variants in PEX1 are known to be pathogenic (PMID: 21031596, 26387595, 31831025). The frequency data for this variant in the population databases is considered unreliable, as metrics indicate poor data quality at this position in the gnomAD database. This variant has not been reported in the literature in individuals affected with PEX1-related conditions. ClinVar contains an entry for this variant (Variation ID: 371765). Algorithms developed to predict the effect of sequence changes on RNA splicing suggest that this variant may disrupt the consensus splice site. In summary, the currently available evidence indicates that the variant is pathogenic, but additional data are needed to prove that conclusively. Therefore, this variant has been classified as Likely Pathogenic.

Baylor Genetics
Classification: Pathogenic for Heimler syndrome 1. Last evaluated: 2024-03-25. Review status: criteria provided, single submitter. Criteria: ACMG Guidelines, 2015. Collection method: clinical testing. Allele origin: unknown.

GeneDx
Classification: Pathogenic. Last evaluated: 2024-01-16. Review status: criteria provided, single submitter. Criteria: GeneDx Variant Classification Process June 2021. Collection method: clinical testing. Allele origin: germline. Affected: yes.
Comment: Canonical splice site variant expected to result in aberrant splicing, although in the absence of functional evidence the actual effect of this sequence change is unknown.; Not observed at significant frequency in large population cohorts (gnomAD); Reported in the heterozygous state in a patient in published literature with cone-rod dystrophy, however variants identified in other genes were thought to explain the phenotype (PMID: 27353947); This variant is associated with the following publications: (PMID: 27353947)

Blueprint Genetics
Classification: Likely pathogenic for PEX1-related disorders. Last evaluated: 2019-04-24. Review status: criteria provided, single submitter. Criteria: ACMG Guidelines, 2015. Collection method: clinical testing. Allele origin: germline. Affected: yes. Observed: 2 variant alleles.

Eurofins Ntd Llc (ga)
Classification: Pathogenic. Last evaluated: 2017-04-06. Review status: criteria provided, single submitter. Criteria: EGL Classification Definitions 2015. Collection method: clinical testing. Allele origin: germline. Observed: 1 variant allele, 1 heterozygote.

Counsyl
Classification: Likely pathogenic for Peroxisome biogenesis disorder 1A (Zellweger). Last evaluated: 2019-07-12. Review status: no assertion criteria provided. Collection method: clinical testing. Allele origin: unknown. Not counted in ClinVar's aggregate classification.

Counsyl
Classification: Likely pathogenic for Peroxisome biogenesis disorder 1B. Last evaluated: 2019-07-12. Review status: no assertion criteria provided. Collection method: clinical testing. Allele origin: unknown. Not counted in ClinVar's aggregate classification.

Natera, Inc.
Classification: Likely pathogenic for Zellweger syndrome. Last evaluated: 2017-11-09. Review status: no assertion criteria provided. Collection method: clinical testing. Allele origin: germline. Not counted in ClinVar's aggregate classification.

Literature cited by the submitters: PubMed 16199547 (cited by Labcorp Genetics (formerly Invitae), Labcorp); PubMed 21031596 (cited by Labcorp Genetics (formerly Invitae), Labcorp); PubMed 26387595 (cited by Labcorp Genetics (formerly Invitae), Labcorp); PubMed 31831025 (cited by Labcorp Genetics (formerly Invitae), Labcorp); PubMed 27353947 (cited by Counsyl).